The following is an entry in ClinVar:

NM_001556.3(IKBKB):c.1235G>C (p.Cys412Ser)

Gene: IKBKB (inhibitor of nuclear factor kappa B kinase subunit beta; plus strand). Cytogenetic location: 8p11.21.
Variant type: single nucleotide variant.
Coding change: c.1235G>C on transcript NM_001556.3 (MANE Select); coding-DNA position 1235, G replaced by C.
Protein change: p.Cys412Ser; replaces cysteine 412 with serine.
Molecular consequence: missense variant. On other transcripts: non-coding transcript variant (3).
Genome position (GRCh38, 1-based): chr8:42,317,766, G>C. VCF-style: chr8-42317766-G-C. GRCh37 (hg19) VCF-style: chr8-42175284-G-C.
Other names: c.1043G>C, p.Cys348Ser (NM_001190720.3); c.1058G>C, p.Cys353Ser (NM_001242778.2); short protein forms C348S, C353S, C412S.
Identifiers: ClinVar variation 933403 (VCV000933403.5), dbSNP rs368737022, ClinGen allele CA4731926.

ClinVar aggregate classification (germline): Uncertain significance (1 of 4 stars; one submission).

Conditions:
Severe combined immunodeficiency due to IKK2 deficiency. Also called: IMMUNODEFICIENCY 15B; Immunodeficiency 15. Identifiers: Orphanet 397787, MedGen C4747743, MONDO:0014267, OMIM 615592.

Allele frequency attached by ClinVar (database versions not stated): gnomAD exomes below 0.00001 and 0.00002; TOPMed below 0.00001; gnomAD 0.00001; ExAC 0.00002; 1000 Genomes Project 30x 0.00016; 1000 Genomes Project 0.00020.

Submission:

Labcorp Genetics (formerly Invitae), Labcorp
Classification: Uncertain significance for Severe combined immunodeficiency due to IKK2 deficiency. Last evaluated: 2025-03-18. Review status: criteria provided, single submitter. Criteria: Invitae Variant Classification Sherloc (09022015). Collection method: clinical testing. Allele origin: germline.
Comment: This sequence change replaces cysteine, which is neutral and slightly polar, with serine, which is neutral and polar, at codon 412 of the IKBKB protein (p.Cys412Ser). This variant is present in population databases (rs368737022, gnomAD 0.006%). This variant has not been reported in the literature in individuals affected with IKBKB-related conditions. ClinVar contains an entry for this variant (Variation ID: 933403). Invitae Evidence Modeling of protein sequence and biophysical properties (such as structural, functional, and spatial information, amino acid conservation, physicochemical variation, residue mobility, and thermodynamic stability) indicates that this missense variant is not expected to disrupt IKBKB protein function with a negative predictive value of 95%. In summary, the available evidence is currently insufficient to determine the role of this variant in disease. Therefore, it has been classified as a Variant of Uncertain Significance.